The following is an entry in ClinVar:

NM_181783.4(TMTC3):c.1631G>A (p.Arg544Gln)

Gene: TMTC3 (transmembrane O-mannosyltransferase targeting cadherins 3; plus strand). Cytogenetic location: 12q21.32.
Variant type: single nucleotide variant.
Coding change: c.1631G>A on transcript NM_181783.4 (MANE Select); coding-DNA position 1631, G replaced by A.
Protein change: p.Arg544Gln; replaces arginine 544 with glutamine.
Molecular consequence: missense variant. On other transcripts: non-coding transcript variant (1).
Genome position (GRCh38, 1-based): chr12:88,190,547, G>A. VCF-style: chr12-88190547-G-A. GRCh37 (hg19) VCF-style: chr12-88584324-G-A.
Other names: c.1451G>A, p.Arg484Gln (NM_001366574.1); c.1412G>A, p.Arg471Gln (NM_001366579.1); c.1364G>A, p.Arg455Gln (NM_001366580.1); c.938G>A, p.Arg313Gln (NM_001366583.1); short protein forms R484Q, R313Q, R455Q, R471Q, R544Q.
Identifiers: ClinVar variation 1931921 (VCV001931921.4), dbSNP rs780431621, ClinGen allele CA6713332.

ClinVar aggregate classification (germline): Uncertain significance (1 of 4 stars; one submission).

Allele frequency attached by ClinVar (database versions not stated): gnomAD exomes below 0.00001; TOPMed below 0.00001; ExAC 0.00001.
gnomAD v4.1: 4 of 1,613,782 alleles (0.00025%); highest among the groups gnomAD compares: Non-Finnish European, 0.00025%; no homozygotes.

Submission:

Labcorp Genetics (formerly Invitae), Labcorp
Classification: Uncertain significance. Last evaluated: 2024-08-12. Review status: criteria provided, single submitter. Criteria: Invitae Variant Classification Sherloc (09022015). Collection method: clinical testing. Allele origin: germline.
Comment: This sequence change replaces arginine, which is basic and polar, with glutamine, which is neutral and polar, at codon 544 of the TMTC3 protein (p.Arg544Gln). This variant is present in population databases (rs780431621, gnomAD 0.0009%). This variant has not been reported in the literature in individuals affected with TMTC3-related conditions. ClinVar contains an entry for this variant (Variation ID: 1931921). An algorithm developed to predict the effect of missense changes on protein structure and function (PolyPhen-2) suggests that this variant is likely to be disruptive. In summary, the available evidence is currently insufficient to determine the role of this variant in disease. Therefore, it has been classified as a Variant of Uncertain Significance.